The following is an entry in ClinVar:

ClinVar aggregate classification (germline): Likely benign. Review status: criteria provided, multiple submitters, no conflicts (2 of 4 stars). 2 submissions from 2 submitters: Likely benign (2). Last evaluated 2025-01-01.

Conditions:
Dilated cardiomyopathy 1G (CMD1G). Identifiers: Orphanet 154, MedGen C1858763, MONDO:0011400, OMIM 604145.
Autosomal recessive limb-girdle muscular dystrophy type 2J (LGMDR10). Also called: Limb-girdle muscular dystrophy, type 2J; MUSCULAR DYSTROPHY, LIMB-GIRDLE, AUTOSOMAL RECESSIVE 10. Identifiers: Orphanet 140922, MedGen C1837342, MONDO:0012127, OMIM 608807.

Allele frequency attached by ClinVar (database versions not stated): gnomAD exomes below 0.00001; TOPMed 0.00001.
gnomAD v4.1: 6 of 1,608,064 alleles (0.00037%); highest among the groups gnomAD compares: Admixed American, 0.0017%; no homozygotes.

Submissions (2):

CeGaT Center for Human Genetics Tuebingen
Classification: Likely benign. Last evaluated: 2025-01-01. Review status: criteria provided, single submitter. Criteria: CeGaT Center For Human Genetics Tuebingen Variant Classification Criteria Version 2. Collection method: clinical testing. Allele origin: germline. Affected: yes. Observed: 2 variant alleles.
Comment: TTN: BP4, BP7

Labcorp Genetics (formerly Invitae), Labcorp
Classification: Likely benign for Dilated cardiomyopathy 1G; Autosomal recessive limb-girdle muscular dystrophy type 2J. Last evaluated: 2023-02-22. Review status: criteria provided, single submitter. Criteria: Invitae Variant Classification Sherloc (09022015). Collection method: clinical testing. Allele origin: germline.

NM_001267550.2(TTN):c.36777T>C (p.Ala12259=)

Gene: TTN (titin; minus strand). Cytogenetic location: 2q31.2.
Variant type: single nucleotide variant.
Coding change: c.36777T>C on transcript NM_001267550.2 (MANE Select); coding-DNA position 36777, T replaced by C.
Protein change: p.Ala12259=; no amino-acid change (alanine 12259 retained).
Molecular consequence: synonymous variant. On other transcripts: intron variant (3).
Genome position (GRCh38, 1-based): chr2:178,662,979, A>G on the plus strand (T>C on the coding strand, the complement: TTN is on the minus strand). VCF-style: chr2-178662979-A-G. GRCh37 (hg19) VCF-style: chr2-179527706-A-G.
Other names: c.34341T>C, p.Ala11447= (NM_001256850.1); c.31560T>C, p.Ala10520= (NM_133378.4); c.13283-20662T>C (NM_003319.4); c.13859-20662T>C (NM_133437.4); c.13658-20662T>C (NM_133432.3).
Identifiers: ClinVar variation 2923722 (VCV002923722.25), dbSNP rs1357094244, ClinGen allele CA430117571.